The following is an entry in ClinVar:

ClinVar aggregate classification (germline): Likely pathogenic (1 of 4 stars; one submission).

Submission:

Labcorp Genetics (formerly Invitae), Labcorp
Classification: Likely pathogenic. Last evaluated: 2022-11-02. Review status: criteria provided, single submitter. Criteria: Invitae Variant Classification Sherloc (09022015). Collection method: clinical testing. Allele origin: germline.
Comment: In summary, the currently available evidence indicates that the variant is pathogenic, but additional data are needed to prove that conclusively. Therefore, this variant has been classified as Likely Pathogenic. Algorithms developed to predict the effect of sequence changes on RNA splicing suggest that this variant may disrupt the consensus splice site. This variant has not been reported in the literature in individuals affected with UNC80-related conditions. This variant is not present in population databases (gnomAD no frequency). This sequence change affects an acceptor splice site in intron 57 of the UNC80 gene. It is expected to disrupt RNA splicing. Variants that disrupt the donor or acceptor splice site typically lead to a loss of protein function (PMID: 16199547), and loss-of-function variants in UNC80 are known to be pathogenic (PMID: 26545877, 26708751, 26708753).

Literature cited by the submitters: PubMed 16199547; PubMed 26545877; PubMed 26708751; PubMed 26708753.

NM_001371986.1(UNC80):c.8939-1G>A

Gene: UNC80 (unc-80 subunit of NALCN channel complex; plus strand). Cytogenetic location: 2q34.
Variant type: single nucleotide variant.
Coding change: c.8939-1G>A on transcript NM_001371986.1 (MANE Select); the canonical splice acceptor site of the intron before coding-DNA position 8939, G replaced by A.
Molecular consequence: splice acceptor variant.
Genome position (GRCh38, 1-based): chr2:209,978,528, G>A. VCF-style: chr2-209978528-G-A. GRCh37 (hg19) VCF-style: chr2-210843252-G-A.
Other names: c.8741-1G>A (NM_032504.2); c.8726-1G>A (NM_182587.4).
Identifiers: ClinVar variation 2805196 (VCV002805196.3), dbSNP rs2471240080, ClinGen allele CA350414373.
Genomic context (GRCh38, chr2:209,978,528, plus strand): 5'-CTTTGAAGTGGACATTTAAGATTCTCACCATGCATTTCCTTTGGTCTCTCGCATCCTCTA[G>A]CCTACCAAGGCAAGACATCCATCAGTACCGTGGGCACCTCCACCTCTGCTTACCGCCTGA-3'